The following is an entry in ClinVar:

NM_152564.5(VPS13B):c.1700G>A (p.Gly567Glu)

Gene: VPS13B (vacuolar protein sorting 13 homolog B; plus strand). Cytogenetic location: 8q22.2.
Variant type: single nucleotide variant.
Coding change: c.1700G>A on transcript NM_152564.5 (MANE Select); coding-DNA position 1700, G replaced by A.
Protein change: p.Gly567Glu; replaces glycine 567 with glutamic acid.
Molecular consequence: missense variant.
Genome position (GRCh38, 1-based): chr8:99,143,022, G>A. VCF-style: chr8-99143022-G-A. GRCh37 (hg19) VCF-style: chr8-100155250-G-A.
Other names: c.1700G>A, p.Gly567Glu (NM_015243.3, NM_017890.5); short protein forms G567E.
Identifiers: ClinVar variation 95834 (VCV000095834.70), dbSNP rs141046414, ClinGen allele CA223385.

ClinVar aggregate classification (germline): Uncertain significance. Review status: criteria provided, multiple submitters, no conflicts (2 of 4 stars). 16 submissions from 16 submitters: Uncertain significance (14). 2 of the submissions do not count toward it. Last evaluated 2025-12-17.

Conditions:
VPS13B-related disorder. Also called: VPS13B-related condition.
Inborn genetic diseases. Identifiers: MedGen C0950123, MeSH D030342.
Cohen syndrome (COH1). Also called: PEPPER SYNDROME; Cutis verticis gyrata, retinitis pigmentosa, and sensorineural deafness. Identifiers: Orphanet 193, MedGen C0265223, MONDO:0008999, OMIM 216550.

Allele frequency attached by ClinVar (database versions not stated): ExAC 0.00036; gnomAD exomes 0.00038 and 0.00070; ESP Exome Variant Server 0.00031; gnomAD 0.00052 and 0.00054; TOPMed 0.00061.
gnomAD v4.1: 1,084 of 1,613,758 alleles (0.067%); highest among the groups gnomAD compares: Non-Finnish European, 0.087%; no homozygotes.

Submissions (16):

Mayo Clinic Laboratories, Mayo Clinic
Classification: Uncertain significance. Last evaluated: 2025-12-17. Review status: criteria provided, single submitter. Criteria: ACMG Guidelines, 2015. Collection method: clinical testing. Allele origin: germline. Observed: 2 variant alleles.
Comment: BP4

Women's Health and Genetics/Laboratory Corporation of America, LabCorp
Classification: Uncertain significance. Last evaluated: 2025-09-15. Review status: criteria provided, single submitter. Criteria: LabCorp Variant Classification Summary - May 2015. Collection method: clinical testing. Allele origin: germline.
Comment: Variant summary: VPS13B c.1700G>A (p.Gly567Glu) results in a non-conservative amino acid change in the encoded protein sequence. Algorithms developed to predict the effect of missense changes on protein structure and function are either unavailable or do not agree on the potential impact of this missense change. The variant allele was found at a frequency of 0.00038 in 250942 control chromosomes. This frequency is not significantly higher than estimated for disease-causing variants in VPS13B, allowing no conclusion about variant significance. c.1700G>A has been reported in the literature as a compound heterozygous genotype in at-least one individual reportedly diagnosed with Cohen syndrome following a diagnostic exome sequencing strategy (example, Farwell_2015). These data do not allow any conclusion about variant significance. To our knowledge, no experimental evidence demonstrating an impact on protein function has been reported. The following publication has been ascertained in the context of this evaluation (PMID: 25356970). ClinVar contains an entry for this variant (Variation ID: 95834). Based on the evidence outlined above, the variant was classified as uncertain significance.

CeGaT Center for Human Genetics Tuebingen
Classification: Uncertain significance. Last evaluated: 2024-12-01. Review status: criteria provided, single submitter. Criteria: CeGaT Center For Human Genetics Tuebingen Variant Classification Criteria Version 2. Collection method: clinical testing. Allele origin: germline. Affected: yes. Observed: 3 variant alleles.

Blueprint Genetics
Classification: Uncertain significance. Last evaluated: 2024-10-25. Review status: criteria provided, single submitter. Criteria: ACMG Guidelines, 2015. Collection method: clinical testing. Allele origin: germline.

Department of Pathology and Laboratory Medicine, Sinai Health System
Classification: Uncertain significance for Cohen syndrome. Last evaluated: 2023-06-21. Review status: criteria provided, single submitter. Criteria: ACMG Guidelines, 2015. Collection method: research. Allele origin: germline.

GeneDx
Classification: Uncertain significance. Last evaluated: 2023-03-13. Review status: criteria provided, single submitter. Criteria: GeneDx Variant Classification Process June 2021. Collection method: clinical testing. Allele origin: germline. Affected: yes.
Comment: Reported previously in a patient with Cohen syndrome who was also heterozygous for a second VPS13B variant, however, clinical history and familial segregation information were not included (Farwell et al., 2015).; In silico analysis supports that this missense variant does not alter protein structure/function; This variant is associated with the following publications: (PMID: 34426522, 35690661, 25356970)

Ambry Genetics
Classification: Uncertain significance for Inborn genetic diseases. Last evaluated: 2022-11-03. Review status: criteria provided, single submitter. Criteria: Ambry Variant Classification Scheme 2023. Collection method: clinical testing. Allele origin: germline.
Comment: The c.1700G>A (p.G567E) alteration is located in exon 13 (coding exon 12) of the VPS13B gene. This alteration results from a G to A substitution at nucleotide position 1700, causing the glycine (G) at amino acid position 567 to be replaced by a glutamic acid (E). Based on data from gnomAD, the A allele has an overall frequency of 0.040% (114/282342) total alleles studied. The highest observed frequency was 0.076% (98/128904) of European (non-Finnish) alleles. This amino acid position is not well conserved in available vertebrate species. This alteration is predicted to be tolerated by in silico analysis. Based on insufficient or conflicting evidence, the clinical significance of this alteration remains unclear.

Labcorp Genetics (formerly Invitae), Labcorp
Classification: Uncertain significance for Cohen syndrome. Last evaluated: 2022-11-01. Review status: criteria provided, single submitter. Criteria: Invitae Variant Classification Sherloc (09022015). Collection method: clinical testing. Allele origin: germline.
Comment: This sequence change replaces glycine, which is neutral and non-polar, with glutamic acid, which is acidic and polar, at codon 567 of the VPS13B protein (p.Gly567Glu). This variant is present in population databases (rs141046414, gnomAD 0.08%). This missense change has been observed in individual(s) with Cohen syndrome (PMID: 25356970). ClinVar contains an entry for this variant (Variation ID: 95834). Advanced modeling of protein sequence and biophysical properties (such as structural, functional, and spatial information, amino acid conservation, physicochemical variation, residue mobility, and thermodynamic stability) performed at Invitae indicates that this missense variant is not expected to disrupt VPS13B protein function. In summary, the available evidence is currently insufficient to determine the role of this variant in disease. Therefore, it has been classified as a Variant of Uncertain Significance.

Fulgent Genetics
Classification: Uncertain significance for Cohen syndrome. Last evaluated: 2022-04-21. Review status: criteria provided, single submitter. Criteria: ACMG Guidelines, 2015. Collection method: clinical testing. Allele origin: unknown.

New York Genome Center
Classification: Uncertain significance for Cohen syndrome. Last evaluated: 2021-12-02. Review status: criteria provided, single submitter. Criteria: NYGC Assertion Criteria 2020. Collection method: clinical testing. Allele origin: germline. Observed: 1 heterozygote.

Institute of Human Genetics, University of Leipzig Medical Center
Classification: Uncertain significance for Cohen syndrome. Last evaluated: 2019-01-01. Review status: criteria provided, single submitter. Criteria: ACMG Guidelines, 2015. Collection method: clinical testing. Allele origin: unknown. Affected: yes.

Illumina Laboratory Services, Illumina
Classification: Uncertain significance for Cohen syndrome. Last evaluated: 2018-01-13. Review status: criteria provided, single submitter. Criteria: ICSL Variant Classification Criteria 13 December 2019. Collection method: clinical testing. Allele origin: germline.

Eurofins Ntd Llc (ga)
Classification: Uncertain significance. Last evaluated: 2017-12-19. Review status: criteria provided, single submitter. Criteria: EGL Classification Definitions 2015. Collection method: clinical testing. Allele origin: germline. Observed: 2 variant alleles, 2 heterozygotes.

Genetic Services Laboratory, University of Chicago
Classification: Uncertain significance. Last evaluated: 2017-03-14. Review status: criteria provided, single submitter. Criteria: ACMG Guidelines, 2015. Collection method: clinical testing. Allele origin: germline. Affected: no.

PreventionGenetics, part of Exact Sciences
Classification: Uncertain significance for VPS13B-related condition. Last evaluated: 2024-06-18. Review status: no assertion criteria provided. Collection method: clinical testing. Allele origin: germline. Not counted in ClinVar's aggregate classification.
Comment: The VPS13B c.1700G>A variant is predicted to result in the amino acid substitution p.Gly567Glu. This variant was documented in the compound heterozygous state with another missense variant in a patient with Cohen syndrome (Table S3, Farwell et al. 2015. PubMed ID: 25356970). This variant is reported in 0.076% of alleles in individuals of European (Non-Finnish) descent in gnomAD. At this time, the clinical significance of this variant is uncertain due to the absence of conclusive functional and genetic evidence.

Natera, Inc.
Classification: Uncertain significance for Cohen syndrome. Last evaluated: 2020-01-12. Review status: no assertion criteria provided. Collection method: clinical testing. Allele origin: germline. Not counted in ClinVar's aggregate classification.

Literature cited by the submitters: PubMed 25356970 (cited by 3 submitters).